The following is an entry in ClinVar:

NM_139343.3(BIN1):c.613-3C>A

Gene: BIN1 (bridging integrator 1; minus strand). Cytogenetic location: 2q14.3.
Variant type: single nucleotide variant.
Coding change: c.613-3C>A on transcript NM_139343.3 (MANE Select); 3 bases into the intron before coding-DNA position 613, C replaced by A.
Molecular consequence: intron variant.
Genome position (GRCh38, 1-based): chr2:127,064,021, G>T on the plus strand (C>A on the coding strand, the complement: BIN1 is on the minus strand). VCF-style: chr2-127064021-G-T. GRCh37 (hg19) VCF-style: chr2-127821597-G-T.
Other names: c.532-3C>A (NM_001320642.1); c.448-3C>A (NM_001320634.1); c.520-3C>A (NM_139351.3, NM_139350.3, NM_139349.3 and 6 more transcripts); c.613-3C>A (NM_001320633.2, NM_139345.3, NM_139344.3 and 1 more transcripts).
Identifiers: ClinVar variation 3622589 (VCV003622589.2).

ClinVar aggregate classification (germline): Uncertain significance (1 of 4 stars; one submission).

Conditions:
Myopathy, centronuclear, 2 (CNM2). Also called: MYOTUBULAR MYOPATHY, AUTOSOMAL RECESSIVE. Identifiers: Orphanet 169186, MedGen CN031787, MONDO:0009709, OMIM 255200.

gnomAD v4.1: 24 of 1,613,776 alleles (0.0015%); highest among the groups gnomAD compares: Non-Finnish European, 0.002%; no homozygotes.

Submission:

Labcorp Genetics (formerly Invitae), Labcorp
Classification: Uncertain significance for Myopathy, centronuclear, 2. Last evaluated: 2024-08-31. Review status: criteria provided, single submitter. Criteria: Invitae Variant Classification Sherloc (09022015). Collection method: clinical testing. Allele origin: germline.
Comment: This sequence change falls in intron 7 of the BIN1 gene. It does not directly change the encoded amino acid sequence of the BIN1 protein. It affects a nucleotide within the consensus splice site. This variant is not present in population databases (gnomAD no frequency). This variant has not been reported in the literature in individuals affected with BIN1-related conditions. Variants that disrupt the consensus splice site are a relatively common cause of aberrant splicing (PMID: 17576681, 9536098). Algorithms developed to predict the effect of sequence changes on RNA splicing suggest that this variant is not likely to affect RNA splicing. In summary, the available evidence is currently insufficient to determine the role of this variant in disease. Therefore, it has been classified as a Variant of Uncertain Significance.

Literature cited by the submitters: PubMed 17576681; PubMed 9536098.